The following is an entry in ClinVar:

NM_199420.4(POLQ):c.1700A>G (p.Lys567Arg)

Gene: POLQ (DNA polymerase theta; minus strand). Cytogenetic location: 3q13.33.
Variant type: single nucleotide variant.
Coding change: c.1700A>G on transcript NM_199420.4 (MANE Select); coding-DNA position 1700, A replaced by G.
Protein change: p.Lys567Arg; replaces lysine 567 with arginine.
Molecular consequence: missense variant.
Genome position (GRCh38, 1-based): chr3:121,510,155, T>C on the plus strand (A>G on the coding strand, the complement: POLQ is on the minus strand). VCF-style: chr3-121510155-T-C. GRCh37 (hg19) VCF-style: chr3-121229002-T-C.
Other names: short protein forms K567R.
Identifiers: ClinVar variation 2449002 (VCV002449002.2), dbSNP rs2546802646, ClinGen allele CA354114954.
Genomic context (GRCh38, chr3:121,510,155, plus strand): 5'-ATCACACAGGCCTCAATCGCTCCAAGCTGAACAGACTCTTGATTTCTCTGAATTCCTTGC[T>C]TCCCTTCTTTCATACTTGCAGCCAAAAATGTGCAGGCAGCATAAGTATGCATATCTTGTG-3'
Protein context (NP_955452.3, residues 557-577): TFLAASMKEG[Lys567Arg]QGIQRNQESV

ClinVar aggregate classification (germline): Uncertain significance (1 of 4 stars; one submission).

Submission:

Ambry Genetics
Classification: Uncertain significance. Last evaluated: 2023-02-09. Review status: criteria provided, single submitter. Criteria: Ambry Variant Classification Scheme 2023. Collection method: clinical testing. Allele origin: germline.
Comment: The p.K567R variant (also known as c.1700A>G), located in coding exon 11 of the POLQ gene, results from an A to G substitution at nucleotide position 1700. The lysine at codon 567 is replaced by arginine, an amino acid with highly similar properties. This amino acid position is conserved. In addition, this alteration is predicted to be tolerated by in silico analysis. Since supporting evidence is limited at this time, the clinical significance of this alteration remains unclear.